The following is an entry in ClinVar:

ClinVar aggregate classification (germline): Likely pathogenic. Review status: criteria provided, multiple submitters, no conflicts (2 of 4 stars). 2 submissions from 2 submitters: Likely pathogenic (2). Last evaluated 2024-07-15.

Conditions:
Hepatoencephalopathy due to combined oxidative phosphorylation defect type 1. Also called: HEPATOENCEPHALOPATHY, EARLY FATAL PROGRESSIVE. Identifiers: Orphanet 137681, MedGen C1836797, MONDO:0012191, OMIM 609060.

Allele frequency attached by ClinVar (database versions not stated): gnomAD exomes below 0.00001.

Submissions (2):

Natera, Inc.
Classification: Likely pathogenic for Combined oxidative phosphorylation deficiency 1. Last evaluated: 2024-07-15. Review status: criteria provided, single submitter. Criteria: Natera Variant Classification Schema (03/2026). Collection method: clinical testing. Allele origin: germline.
Comment: The c.1799delC variant in GFM1 is a frameshift variant predicted to shift the reading frame beginning at codon 600 and leads to a stop codon 56 codons downstream. This variant is expected to result in nonsense mediated decay, truncation, or a dysfunctional protein product. This variant is rare in the general population with a frequency below the threshold expected for the associated phenotype(s). Given the available evidence, this variant is classified as Likely Pathogenic.

Baylor Genetics
Classification: Likely pathogenic for Hepatoencephalopathy due to combined oxidative phosphorylation defect type 1. Last evaluated: 2022-07-09. Review status: criteria provided, single submitter. Criteria: ACMG Guidelines, 2015. Collection method: clinical testing. Allele origin: unknown.

NM_024996.7(GFM1):c.1799del (p.Ser600fs)

Gene: GFM1 (G elongation factor mitochondrial 1; plus strand). Cytogenetic location: 3q25.32.
Variant type: Deletion.
Coding change: c.1799del on transcript NM_024996.7 (MANE Select); coding-DNA position 1799, one base deleted (C; older notation c.1799delC).
Protein change: p.Ser600fs; shifts the reading frame from serine 600.
Molecular consequence: frameshift variant. On other transcripts: non-coding transcript variant (2).
Genome position (GRCh38, 1-based): chr3:158,684,558, C deleted. VCF-style (leftmost placement, unchanged base first): chr3-158684557-TC-T. GRCh37 (hg19) VCF-style: chr3-158402346-TC-T.
Other names: c.1799delC (NM_024996.5); c.1856del, p.Ser619fs (NM_001308164.2); c.1718del, p.Ser573fs (NM_001374355.1); c.1682del, p.Ser561fs (NM_001374356.1); c.1574del, p.Ser525fs (NM_001374357.1); c.1340del, p.Ser447fs (NM_001374358.1); c.1232del, p.Ser411fs (NM_001374359.1, NM_001374360.1); c.1115del, p.Ser372fs (NM_001374361.1); short protein forms S372fs, S411fs, S447fs, S525fs, S561fs, S573fs, S600fs, S619fs.
Identifiers: ClinVar variation 2675915 (VCV002675915.2), dbSNP rs2473045397, ClinGen allele CA2577945385.